The following is an entry in ClinVar:

ClinVar aggregate classification (germline): Uncertain significance (1 of 4 stars; one submission).

Allele frequency attached by ClinVar (database versions not stated): gnomAD exomes below 0.00001; TOPMed 0.00001.
gnomAD v4.1: 1 of 1,613,336 alleles (0.000062%); highest among the groups gnomAD compares: African/African-American, 0.0013%; no homozygotes.

Submission:

Labcorp Genetics (formerly Invitae), Labcorp
Classification: Uncertain significance. Last evaluated: 2023-12-04. Review status: criteria provided, single submitter. Criteria: Invitae Variant Classification Sherloc (09022015). Collection method: clinical testing. Allele origin: germline.
Comment: This sequence change replaces isoleucine, which is neutral and non-polar, with valine, which is neutral and non-polar, at codon 148 of the FAM65B protein (p.Ile148Val). This variant is present in population databases (no rsID available, gnomAD 0.007%). This variant has not been reported in the literature in individuals affected with FAM65B-related conditions. An algorithm developed to predict the effect of missense changes on protein structure and function (PolyPhen-2) suggests that this variant is likely to be disruptive. In summary, the available evidence is currently insufficient to determine the role of this variant in disease. Therefore, it has been classified as a Variant of Uncertain Significance.

NM_001286445.3(RIPOR2):c.529A>G (p.Ile177Val)

Gene: RIPOR2 (RHO family interacting cell polarization regulator 2; minus strand). Cytogenetic location: 6p22.3.
Variant type: single nucleotide variant.
Coding change: c.529A>G on transcript NM_001286445.3 (MANE Select); coding-DNA position 529, A replaced by G.
Protein change: p.Ile177Val; replaces isoleucine 177 with valine.
Molecular consequence: missense variant.
Genome position (GRCh38, 1-based): chr6:24,865,423, T>C on the plus strand (A>G on the coding strand, the complement: RIPOR2 is on the minus strand). VCF-style: chr6-24865423-T-C. GRCh37 (hg19) VCF-style: chr6-24865651-T-C.
Other names: c.544A>G, p.Ile182Val (NM_001286446.3); c.442A>G, p.Ile148Val (NM_001286447.2, NM_001346031.2, NM_001346032.2 and 2 more transcripts); short protein forms I182V, I177V, I148V.
Identifiers: ClinVar variation 2803724 (VCV002803724.3), dbSNP rs1359321973, ClinGen allele CA362981279.
Genomic context (GRCh38, chr6:24,865,423, plus strand): 5'-CAGGGGATGTTGCGAAGGCTTGCTTCATTTTGCTGGCACCATCCTGGAGGCGTCGCTGGA[T>C]ACAATAAGCTTCATAGAGTTCATCTACCTGCCAGAATCAAAACAGGAAACAGAAATAAAT-3'
Protein context (NP_001273374.1, residues 167-187): KVDELYEAYC[Ile177Val]QRRLQDGASK